The following is an entry in ClinVar:

NM_000123.4(ERCC5):c.1693G>C (p.Asp565His)

Genes: BIVM-ERCC5 (BIVM-ERCC5 readthrough; plus strand), ERCC5 (ERCC excision repair 5, endonuclease; plus strand). Cytogenetic location: 13q33.1.
Variant type: single nucleotide variant.
Coding change: c.1693G>C on transcript NM_000123.4 (MANE Select); coding-DNA position 1693, G replaced by C.
Protein change: p.Asp565His; replaces aspartic acid 565 with histidine.
Molecular consequence: missense variant.
Genome position (GRCh38, 1-based): chr13:102,862,842, G>C. VCF-style: chr13-102862842-G-C. GRCh37 (hg19) VCF-style: chr13-103515192-G-C.
Other names: c.3055G>C, p.Asp1019His (NM_001204425.2); short protein forms D1019H, D565H.
Identifiers: ClinVar variation 4712667 (VCV004712667.1).

ClinVar aggregate classification (germline): Uncertain significance (1 of 4 stars; one submission).

Submission:

Labcorp Genetics (formerly Invitae), Labcorp
Classification: Uncertain significance. Last evaluated: 2025-02-16. Review status: criteria provided, single submitter. Criteria: Invitae Variant Classification Sherloc (09022015). Collection method: clinical testing. Allele origin: germline.
Comment: This sequence change replaces aspartic acid, which is acidic and polar, with histidine, which is basic and polar, at codon 565 of the ERCC5 protein (p.Asp565His). This variant is not present in population databases (gnomAD no frequency). This variant has not been reported in the literature in individuals affected with ERCC5-related conditions. An algorithm developed to predict the effect of missense changes on protein structure and function outputs the following: PolyPhen-2: "Benign". The histidine amino acid residue is found in multiple mammalian species, which suggests that this missense change does not adversely affect protein function. In summary, the available evidence is currently insufficient to determine the role of this variant in disease. Therefore, it has been classified as a Variant of Uncertain Significance.